The following is an entry in ClinVar:

ClinVar aggregate classification (germline): Pathogenic (1 of 4 stars; one submission).

Conditions:
Mucopolysaccharidosis, MPS-IV-A (MPS4A). Also called: Mucopolysaccharidosis type IV A; Mucopolysaccharidosis Type IVA; Morquio syndrome A, mild; MORQUIO SYNDROME A; MPS IVA; mucopolysaccharidosis type 4A. Identifiers: Orphanet 309297, Orphanet 582, MedGen C0086651, MONDO:0009659, OMIM 253000.

Allele frequency attached by ClinVar (database versions not stated): gnomAD exomes below 0.00001.

Submission:

Laboratory of Diagnosis and Therapy of Lysosomal Disorders, University of Padova
Classification: Pathogenic for Mucopolysaccharidosis, MPS-IV-A. Last evaluated: 2021-02-01. Review status: criteria provided, single submitter. Criteria: ACMG Guidelines, 2015. Collection method: curation. Allele origin: germline. Affected: yes.
Comment: Nonsense variant (PVS1_very strong); the prevalence of the variant in affected individuals is significantly increased compared with the prevalence in controls (PS4_supporting); absent from gnomAD v2.1.1 (PM2_moderate)

Literature cited by the submitters: PubMed 24411403; PubMed 24726177; PubMed 30980944; PubMed 9298823; PubMed 34387910.

NM_000512.5(GALNS):c.1168del (p.Thr389_Leu390insTer)

Gene: GALNS (galactosamine (N-acetyl)-6-sulfatase; minus strand). Cytogenetic location: 16q24.3.
Variant type: Deletion.
Coding change: c.1168del on transcript NM_000512.5 (MANE Select); coding-DNA position 1168, one base deleted (C; older notation c.1168delC).
Protein change: p.Thr389_Leu390insTer.
Molecular consequence: nonsense.
Genome position (GRCh38, 1-based): chr16:88,824,841, G deleted on the plus strand (C on the coding strand, the reverse complement: GALNS is on the minus strand). VCF-style (leftmost placement, unchanged base first): chr16-88824840-AG-A. GRCh37 (hg19) VCF-style: chr16-88891248-AG-A.
Other names: c.613del, p.Thr204_Leu205insTer (NM_001323543.2); c.1186del, p.Thr395_Leu396insTer (NM_001323544.2).
Identifiers: ClinVar variation 1048321 (VCV001048321.3), dbSNP rs2142993865, ClinGen allele CA916079746.